The following is an entry in ClinVar:

NC_000004.11:g.(?_15477557)_(15477615_?)del

Gene: CC2D2A (coiled-coil and C2 domain containing 2A; plus strand). Cytogenetic location: 4p15.32.
Variant type: Deletion.
Identifiers: ClinVar variation 3246609 (VCV003246609.1).

ClinVar aggregate classification (germline): Pathogenic (1 of 4 stars; one submission).

Conditions:
Joubert syndrome. Also called: CEREBELLOPARENCHYMAL DISORDER IV; JOUBERT-BOLTSHAUSER SYNDROME; Familial aplasia of the vermis. Identifiers: Orphanet 475, MedGen C5979921, MONDO:0018772.
Meckel-Gruber syndrome. Also called: DYSENCEPHALIA SPLANCHNOCYSTICA; GRUBER SYNDROME; Dysencephalia splachnocystica. Identifiers: Orphanet 564, MedGen C0265215, MONDO:0018921.

Submission:

Labcorp Genetics (formerly Invitae), Labcorp
Classification: Pathogenic for Joubert syndrome; Meckel-Gruber syndrome. Last evaluated: 2023-12-04. Review status: criteria provided, single submitter. Criteria: Invitae Variant Classification Sherloc (09022015). Collection method: clinical testing. Allele origin: unknown.
Comment: This variant is a gross deletion of the genomic region encompassing exon(s) 3 of the CC2D2A gene, which includes the initiator codon. This deletion extends beyond the assayed region for this gene and therefore may encompass additional genes. It is expected to result in an absent or disrupted protein product. Loss-of-function variants in CC2D2A are known to be pathogenic (PMID: 19777577). This variant has not been reported in the literature in individuals affected with CC2D2A-related conditions. For these reasons, this variant has been classified as Pathogenic.

Literature cited by the submitters: PubMed 19777577.